The following is an entry in ClinVar:

NM_000260.4(MYO7A):c.4555del (p.Val1519fs)

Gene: MYO7A (myosin VIIA; plus strand). Cytogenetic location: 11q13.5.
Variant type: Deletion.
Coding change: c.4555del on transcript NM_000260.4 (MANE Select); coding-DNA position 4555, one base deleted (G; older notation c.4555delG).
Protein change: p.Val1519fs; shifts the reading frame from valine 1519.
Molecular consequence: frameshift variant.
Genome position (GRCh38, 1-based): chr11:77,198,608, G deleted. VCF-style (leftmost placement, unchanged base first): chr11-77198607-CG-C. GRCh37 (hg19) VCF-style: chr11-76909652-CG-C.
Other names: c.4555del, p.Val1519fs (NM_001127180.2); c.4522del, p.Val1508fs (NM_001369365.1); short protein forms V1508fs, V1519fs.
Identifiers: ClinVar variation 228379 (VCV000228379.7), dbSNP rs876657712, ClinGen allele CA10576902.

ClinVar aggregate classification (germline): Pathogenic. Review status: criteria provided, multiple submitters, no conflicts (2 of 4 stars). 2 submissions from 2 submitters: Pathogenic (2). Last evaluated 2023-12-28.

Conditions:
Rare genetic deafness. Identifiers: Orphanet 96210, MedGen C5680250.

Allele frequency attached by ClinVar (database versions not stated): gnomAD exomes below 0.00001.

Submissions (2):

Labcorp Genetics (formerly Invitae), Labcorp
Classification: Pathogenic. Last evaluated: 2023-12-28. Review status: criteria provided, single submitter. Criteria: Invitae Variant Classification Sherloc (09022015). Collection method: clinical testing. Allele origin: germline.
Comment: This sequence change creates a premature translational stop signal (p.Val1519Cysfs*30) in the MYO7A gene. It is expected to result in an absent or disrupted protein product. Loss-of-function variants in MYO7A are known to be pathogenic (PMID: 8900236, 25404053). This variant is not present in population databases (gnomAD no frequency). This variant has not been reported in the literature in individuals affected with MYO7A-related conditions. ClinVar contains an entry for this variant (Variation ID: 228379). For these reasons, this variant has been classified as Pathogenic.

Laboratory for Molecular Medicine, Mass General Brigham Personalized Medicine
Classification: Pathogenic for Rare genetic deafness. Last evaluated: 2015-11-09. Review status: criteria provided, single submitter. Criteria: LMM Criteria. Collection method: clinical testing. Allele origin: germline. Inheritance: Autosomal recessive inheritance. Observed: 2 variant alleles.
Comment: The p.Val1519fs variant in MYO7A has not been previously reported in individuals with hearing loss or Usher syndrome and was absent from large population studie s. This variant is predicted to cause a frameshift, which alters the protein?s a mino acid sequence beginning at position 1519 and leads to a premature terminati on codon 30 amino acids downstream. This alteration is then predicted to lead to a truncated or absent protein. Loss of function of the MYO7A gene is an establi shed disease mechanism in autosomal recessive Usher syndrome. In summary, this v ariant meets our criteria to be classified as pathogenic.

Literature cited by the submitters: PubMed 8900236 (cited by Labcorp Genetics (formerly Invitae), Labcorp); PubMed 25404053 (cited by Labcorp Genetics (formerly Invitae), Labcorp).